The following is an entry in ClinVar:

NM_006785.4(MALT1):c.23T>C (p.Leu8Pro)

Genes: MALT1 (MALT1 paracaspase; plus strand), MALT1-AS1 (MALT1 antisense RNA 1; minus strand), LOC130062586 (ATAC-STARR-seq lymphoblastoid silent region 9487; plus strand). Cytogenetic location: 18q21.32.
Variant type: single nucleotide variant.
Coding change: c.23T>C on transcript NM_006785.4 (MANE Select); coding-DNA position 23, T replaced by C.
Protein change: p.Leu8Pro; replaces leucine 8 with proline.
Molecular consequence: missense variant. On other transcripts: non-coding transcript variant (1).
Genome position (GRCh38, 1-based): chr18:58,671,666, T>C. VCF-style: chr18-58671666-T-C. GRCh37 (hg19) VCF-style: chr18-56338898-T-C.
Other names: c.23T>C, p.Leu8Pro (NM_173844.3); short protein forms L8P.
Identifiers: ClinVar variation 2127814 (VCV002127814.1), dbSNP rs2511472972, ClinGen allele CA402570553.

ClinVar aggregate classification (germline): Uncertain significance (1 of 4 stars; one submission).

Conditions:
Combined immunodeficiency due to MALT1 deficiency. Also called: Immunodeficiency 12. Identifiers: Orphanet 397964, MedGen C3809583, MONDO:0014197, OMIM 615468.

Allele frequency attached by ClinVar (database versions not stated): gnomAD exomes below 0.00001.
gnomAD v4.1: 1 of 1,230,976 alleles (0.000081%); highest among the groups gnomAD compares: Non-Finnish European, 0.0001%; no homozygotes.

Submission:

Labcorp Genetics (formerly Invitae), Labcorp
Classification: Uncertain significance for Combined immunodeficiency due to MALT1 deficiency. Last evaluated: 2022-08-04. Review status: criteria provided, single submitter. Criteria: Invitae Variant Classification Sherloc (09022015). Collection method: clinical testing. Allele origin: germline.
Comment: This sequence change replaces leucine, which is neutral and non-polar, with proline, which is neutral and non-polar, at codon 8 of the MALT1 protein (p.Leu8Pro). This variant is not present in population databases (gnomAD no frequency). This variant has not been reported in the literature in individuals affected with MALT1-related conditions. Algorithms developed to predict the effect of missense changes on protein structure and function are either unavailable or do not agree on the potential impact of this missense change (SIFT: "Deleterious"; PolyPhen-2: "Possibly Damaging"; Align-GVGD: "Class C0"). In summary, the available evidence is currently insufficient to determine the role of this variant in disease. Therefore, it has been classified as a Variant of Uncertain Significance.